The following is an entry in ClinVar:

ClinVar aggregate classification (germline): Pathogenic. Review status: criteria provided, multiple submitters, no conflicts (2 of 4 stars). 21 submissions from 21 submitters: Pathogenic (18). 3 of the submissions do not count toward it. Last evaluated 2026-06-05.

Conditions:
Multiple congenital anomalies/dysmorphic syndrome-intellectual disability. Identifiers: Orphanet 102283, MedGen C5680372, MONDO:0015159.
Deficiency of iodide peroxidase (TDH2A). Also called: Thyroid dyshormonogenesis 2A; THYROID HORMONOGENESIS, GENETIC DEFECT IN, 2A; THYROID PEROXIDASE DEFICIENCY; HYPOTHYROIDISM, CONGENITAL, DUE TO DYSHORMONOGENESIS, 2A; IODIDE PEROXIDASE DEFICIENCY. Identifiers: Orphanet 95716, MedGen C1291299, MONDO:0010133, OMIM 274500.
TPO-related disorder. Also called: TPO-related condition.

Submissions 1 to 14 of 21:

Women's Health and Genetics/Laboratory Corporation of America, LabCorp
Classification: Pathogenic for Deficiency of iodide peroxidase. Last evaluated: 2026-06-05. Review status: criteria provided, single submitter. Criteria: LabCorp Variant Classification Summary - May 2015. Collection method: clinical testing. Allele origin: germline.
Comment: Variant summary: TPO c.1184_1187dupGCCG (p.Ala397ProfsX76) results in a premature termination codon, predicted to cause a truncation of the encoded protein or absence of the protein due to nonsense mediated decay, which are commonly known mechanisms for disease. The variant allele was found at a frequency of 0.00049 in 120602 control chromosomes. This frequency is not significantly higher than estimated for disease-causing variants in TPO, allowing no conclusion about variant significance. c.1184_1187dupGCCG has been reported in the literature in multiple individuals affected with congenital hypothyroidism and iodide organification defect (e.g., Makretskaya_2018, Cangul_2015, Rodrigues_2005, Abramowicz_1992). These data indicate that the variant is very likely to be associated with disease. Experimental evidence evaluating an impact on protein function demonstrated the variant to result in very low residual TPO activity (5% of a normal control) (Abramowicz_1992). The following publications have been ascertained in the context of this evaluation (PMID: 1401057, 27617131, 30240412, 15745925). ClinVar contains an entry for this variant (Variation ID: 429301). Based on the evidence outlined above, the variant was classified as pathogenic.

PreventionGenetics, part of Exact Sciences
Classification: Pathogenic for TPO-related condition. Last evaluated: 2026-05-12. Review status: criteria provided, single submitter. Criteria: ACMG Guidelines, 2015. Collection method: clinical testing. Allele origin: germline.
Comment: The TPO c.1184_1187dupGCCG variant is predicted to result in a frameshift and premature protein termination (p.Ala397Profs*76). This variant has been reported in multiple individuals with autosomal recessive congenital hypothyroidism (see for example, Cangul et al. 2015. PubMed ID: 27617131; Zou et al. 2018. PubMed ID: 29546359; Löf et al. 2016. PubMed ID: 27373559). This variant is reported in 0.16% of alleles in individuals of European (Finnish) descent in gnomAD. Frameshift variants in TPO are expected to be pathogenic. This variant is interpreted as pathogenic.

Variantyx, Inc.
Classification: Pathogenic for Deficiency of iodide peroxidase. Last evaluated: 2025-10-23. Review status: criteria provided, single submitter. Criteria: Variantyx Assertion Criteria 2022. Collection method: clinical testing. Allele origin: germline. Inheritance: Autosomal recessive inheritance. Affected: no.
Comment: This is a frameshift variant in the TPO gene (OMIM: 606765). Pathogenic variants in this gene have been associated with autosomal recessive thyroid dyshormonogenesis 2A. This variant introduces a premature termination codon in exon 8 out of 17 and is expected to result in loss of function, which is a known disease mechanism for TPO in this disorder (PMID: 11061528, 23236987, 25564141) (PVS1). This variant has been identified in the homozygous or compound heterozygous state in at least 10 individuals reported in the published literature (PMID: 27373559, 30240412, 15745925, 27617131, 29546359, 31430255) (PM3) and it has been observed to segregate with disease in at least 9 individuals from 4 families (PMID: 27617131, 27373559) (PP1). It has a 0.0744% maximum allele frequency in non-founder control populations (PM2). Based on the current evidence, this variant is classified as pathogenic for autosomal recessive thyroid dyshormonogenesis 2A.

Genetics Department, Catlab
Classification: Pathogenic for Deficiency of iodide peroxidase. Last evaluated: 2025-07-29. Review status: criteria provided, single submitter. Criteria: ACMG Guidelines, 2015. Collection method: clinical testing. Allele origin: germline. Affected: yes. Observed: 1 variant allele.
Comment: The c.1184_1187dup variant is a loss of function variant predicted to undergo nonsense mediated decay and loss of function variants have been described as a causing mechanism for the gene (PVS1_verystrong). It has been previously identified in several patients in homozygous or compound heterozygous state with a pathogenic variant (PM3_moderate) and segregates in several affected families (PMID:17468186;27617131) (PP1_supporting). Finally, functional studies in an homozygous patient show a residual activity of 5% (PMID: 1401057) (PS3_supporting). With all the available evidence, the variant is classified as pathogenic.

Center for Genomic Medicine, Rigshospitalet, Copenhagen University Hospital
Classification: Pathogenic. Last evaluated: 2025-03-04. Review status: criteria provided, single submitter. Criteria: ACMG Guidelines, 2015. Collection method: clinical testing. Allele origin: germline.

CeGaT Center for Human Genetics Tuebingen
Classification: Pathogenic. Last evaluated: 2025-01-01. Review status: criteria provided, single submitter. Criteria: CeGaT Center For Human Genetics Tuebingen Variant Classification Criteria Version 2. Collection method: clinical testing. Allele origin: germline. Affected: yes. Observed: 3 variant alleles.
Comment: TPO: PVS1, PM2

Blueprint Genetics
Classification: Pathogenic for TPO-related disorders. Last evaluated: 2024-10-23. Review status: criteria provided, single submitter. Criteria: ACMG Guidelines, 2015. Collection method: clinical testing. Allele origin: germline. Affected: yes. Observed: 5 variant alleles.

Labcorp Genetics (formerly Invitae), Labcorp
Classification: Pathogenic. Last evaluated: 2024-07-01. Review status: criteria provided, single submitter. Criteria: Invitae Variant Classification Sherloc (09022015). Collection method: clinical testing. Allele origin: germline.
Comment: This sequence change creates a premature translational stop signal (p.Ala397Profs*76) in the TPO gene. It is expected to result in an absent or disrupted protein product. Loss-of-function variants in TPO are known to be pathogenic (PMID: 11061528, 23236987, 25564141). This variant is present in population databases (rs763941231, gnomAD 0.2%), and has an allele count higher than expected for a pathogenic variant. This premature translational stop signal has been observed in individual(s) with clinical features of thyroid dyshormonogenesis (PMID: 15745925, 27373559, 27617131, 29546359, 32765423). It has also been observed to segregate with disease in related individuals. This variant is also known as c.1182_1183insCGGC, 1183_1186dupGGCC. ClinVar contains an entry for this variant (Variation ID: 429301). For these reasons, this variant has been classified as Pathogenic.

Fulgent Genetics
Classification: Pathogenic for Deficiency of iodide peroxidase. Last evaluated: 2024-05-13. Review status: criteria provided, single submitter. Criteria: ACMG Guidelines, 2015. Collection method: clinical testing. Allele origin: germline.

GeneDx
Classification: Pathogenic. Last evaluated: 2024-03-04. Review status: criteria provided, single submitter. Criteria: GeneDx Variant Classification Process June 2021. Collection method: clinical testing. Allele origin: germline. Affected: yes.
Comment: Frameshift variant predicted to result in protein truncation or nonsense mediated decay in a gene for which loss-of-function is a known mechanism of disease; This variant is associated with the following publications: (PMID: 17468186, 27617131, 27373559, 30240412, 29546359, 23512414, 34200080, 34906519, 15745925, 1401057, 11061528, 31430255, 31980526, 31589614, 32765423, 33726816, 36135330, 36474027)

3billion
Classification: Pathogenic for Deficiency of iodide peroxidase. Last evaluated: 2023-02-23. Review status: criteria provided, single submitter. Criteria: ACMG Guidelines, 2015. Collection method: clinical testing. Allele origin: unknown. Affected: yes.
Comment: The variant is observed at an extremely low frequency in the gnomAD v2.1.1 dataset (total allele frequency: 0.053%). This variant was predicted to result in a loss or disruption of normal protein function through nonsense-mediated decay (NMD) or protein truncation. Multiple pathogenic variants are reported downstream of the variant. The variant has been reported at least twice as pathogenic with clinical assertions and evidence for the classification (ClinVar ID: VCV000429301 / PMID: 1401057). Therefore, this variant is classified as Pathogenic according to the recommendation of ACMG/AMP guideline.

Revvity Omics, Revvity
Classification: Pathogenic. Last evaluated: 2022-11-11. Review status: criteria provided, single submitter. Criteria: ACMG Guidelines, 2015. Collection method: clinical testing. Allele origin: germline.

Greenwood Genetic Center Diagnostic Laboratories, Greenwood Genetic Center
Classification: Pathogenic for Deficiency of iodide peroxidase. Last evaluated: 2022-06-15. Review status: criteria provided, single submitter. Criteria: ACMG Guidelines, 2015. Collection method: clinical testing. Allele origin: germline. Affected: yes.
Comment: PVS1 PM3_Strong PS3_Supportive

AURAGEN, Plan France Médecine Génomique
Classification: Pathogenic for Multiple congenital anomalies/dysmorphic syndrome-intellectual disability. Last evaluated: 2022-04-25. Review status: criteria provided, single submitter. Criteria: PFMG2025 (Lancet Reg Health Eur. 2025). Collection method: clinical testing. Allele origin: germline. Affected: yes.

NM_001206744.2(TPO):c.1184_1187dup (p.Ala397fs)

Gene: TPO (thyroid peroxidase; plus strand). Cytogenetic location: 2p25.3.
Variant type: Duplication.
Coding change: c.1184_1187dup on transcript NM_001206744.2 (MANE Select); coding-DNA positions 1184 to 1187, 4 bases duplicated (GCCG; older notation c.1184_1187dupGCCG).
Protein change: p.Ala397fs; shifts the reading frame from alanine 397.
Molecular consequence: frameshift variant. On other transcripts: intron variant (1).
Genome position (GRCh38, 1-based): chr2:1,477,450-1,477,453, GCCG duplicated; duplicating any 4 consecutive bases within chr2:1,477,448-1,477,453 gives the same sequence; the c. name uses the placement nearest the transcript's 3' end. VCF-style (leftmost placement, unchanged base first): chr2-1477447-A-ACGGC. GRCh37 (hg19) VCF-style: chr2-1481219-A-ACGGC.
Other names: c.1184_1187dupGCCG (NM_000547.5, NM_000547.6); c.1184_1187dup, p.Ala397fs (NM_000547.6, NM_001206745.2, NM_175719.4 and 1 more transcripts); c.820-7146_820-7143dup (NM_175722.3); c.1183_1186dup (NM_000547.5); short protein forms A397fs.
Identifiers: ClinVar variation 429301 (VCV000429301.67), dbSNP rs763941231, ClinGen allele CA1511672.